The following is an entry in ClinVar:

NM_052867.4(NALCN):c.2598C>T (p.Val866=)

Gene: NALCN (sodium leak channel, non-selective; minus strand). Cytogenetic location: 13q33.1.
Variant type: single nucleotide variant.
Coding change: c.2598C>T on transcript NM_052867.4 (MANE Select); coding-DNA position 2598, C replaced by T.
Protein change: p.Val866=; no amino-acid change (valine 866 retained).
Molecular consequence: synonymous variant.
Genome position (GRCh38, 1-based): chr13:101,104,932, G>A on the plus strand (C>T on the coding strand, the complement: NALCN is on the minus strand). VCF-style: chr13-101104932-G-A. GRCh37 (hg19) VCF-style: chr13-101757283-G-A.
Other names: c.2685C>T, p.Val895= (NM_001350748.2); c.2598C>T, p.Val866= (NM_001350749.2); c.2511C>T, p.Val837= (NM_001350750.2, NM_001350751.2).
Identifiers: ClinVar variation 4991637 (VCV004991637.1).

ClinVar aggregate classification (germline): Likely benign (1 of 4 stars; one submission).

Conditions:
NALCN-related disorder. Also called: NALCN-related disorders; NALCN-related condition.

gnomAD v4.1: 2 of 1,613,722 alleles (0.00012%); highest among the groups gnomAD compares: Non-Finnish European, 0.000085%; no homozygotes.

Submission:

PreventionGenetics, part of Exact Sciences
Classification: Likely benign for NALCN-related condition. Last evaluated: 2026-04-06. Review status: criteria provided, single submitter. Criteria: ACMG Guidelines, 2015. Collection method: clinical testing. Allele origin: germline.
Comment: This variant is classified as likely benign based on ACMG/AMP sequence variant interpretation guidelines (Richards et al. 2015 PMID: 25741868, with internal and published modifications).